The following is an entry in ClinVar:

ClinVar aggregate classification (germline): Uncertain significance (1 of 4 stars; one submission).

Allele frequency attached by ClinVar (database versions not stated): gnomAD exomes below 0.00001.
gnomAD v4.1: 1 of 1,614,148 alleles (0.000062%); highest among the groups gnomAD compares: Admixed American, 0.0017%; no homozygotes.

Submission:

Labcorp Genetics (formerly Invitae), Labcorp
Classification: Uncertain significance. Last evaluated: 2019-03-07. Review status: criteria provided, single submitter. Criteria: Invitae Variant Classification Sherloc (09022015). Collection method: clinical testing. Allele origin: germline.
Comment: In summary, the available evidence is currently insufficient to determine the role of this variant in disease. Therefore, it has been classified as a Variant of Uncertain Significance. Algorithms developed to predict the effect of missense changes on protein structure and function (SIFT, PolyPhen-2, Align-GVGD) all suggest that this variant is likely to be tolerated, but these predictions have not been confirmed by published functional studies and their clinical significance is uncertain. This variant has not been reported in the literature in individuals with PDP1-related conditions. This variant is not present in population databases (ExAC no frequency). This sequence change replaces isoleucine with threonine at codon 88 of the PDP1 protein (p.Ile88Thr). The isoleucine residue is moderately conserved and there is a moderate physicochemical difference between isoleucine and threonine.

NM_018444.4(PDP1):c.263T>C (p.Ile88Thr)

Gene: PDP1 (pyruvate dehydrogenase phosphatase catalytic subunit 1; plus strand). Cytogenetic location: 8q22.1.
Variant type: single nucleotide variant.
Coding change: c.263T>C on transcript NM_018444.4 (MANE Select); coding-DNA position 263, T replaced by C.
Protein change: p.Ile88Thr; replaces isoleucine 88 with threonine.
Molecular consequence: missense variant.
Genome position (GRCh38, 1-based): chr8:93,922,322, T>C. VCF-style: chr8-93922322-T-C. GRCh37 (hg19) VCF-style: chr8-94934550-T-C.
Other names: c.338T>C, p.Ile113Thr (NM_001161779.2, NM_001161780.2); c.263T>C, p.Ile88Thr (NM_001161781.2); short protein forms I88T, I113T.
Identifiers: ClinVar variation 853847 (VCV000853847.9), dbSNP rs1810304419, ClinGen allele CA371691609.